The following is an entry in ClinVar:

NM_003803.4(MYOM1):c.640T>A (p.Ser214Thr)

Gene: MYOM1 (myomesin 1; minus strand). Cytogenetic location: 18p11.31.
Variant type: single nucleotide variant.
Coding change: c.640T>A on transcript NM_003803.4 (MANE Select); coding-DNA position 640, T replaced by A.
Protein change: p.Ser214Thr; replaces serine 214 with threonine.
Molecular consequence: missense variant.
Genome position (GRCh38, 1-based): chr18:3,188,879, A>T on the plus strand (T>A on the coding strand, the complement: MYOM1 is on the minus strand). VCF-style: chr18-3188879-A-T. GRCh37 (hg19) VCF-style: chr18-3188877-A-T.
Other names: c.640T>A, p.Ser214Thr (NM_019856.2); short protein forms S214T.
Identifiers: ClinVar variation 1753381 (VCV001753381.2), dbSNP rs2510719411, ClinGen allele CA401716681.

ClinVar aggregate classification (germline): Uncertain significance (1 of 4 stars; one submission).

Submission:

Ambry Genetics
Classification: Uncertain significance. Last evaluated: 2022-10-23. Review status: criteria provided, single submitter. Criteria: Ambry Variant Classification Scheme 2023. Collection method: clinical testing. Allele origin: germline.
Comment: The p.S214T variant (also known as c.640T>A), located in coding exon 3 of the MYOM1 gene, results from a T to A substitution at nucleotide position 640. The serine at codon 214 is replaced by threonine, an amino acid with similar properties. This amino acid position is conserved. In addition, this alteration is predicted to be tolerated by in silico analysis. Since supporting evidence is limited at this time, the clinical significance of this alteration remains unclear.